The following is an entry in ClinVar:

NM_003002.4(SDHD):c.366A>G (p.Lys122=)

Gene: SDHD (succinate dehydrogenase complex subunit D; plus strand). Cytogenetic location: 11q23.1.
Variant type: single nucleotide variant.
Coding change: c.366A>G on transcript NM_003002.4 (MANE Select); coding-DNA position 366, A replaced by G.
Protein change: p.Lys122=; no amino-acid change (lysine 122 retained).
Molecular consequence: synonymous variant. On other transcripts: missense variant (1), 3 prime UTR variant (1), non-coding transcript variant (1).
Genome position (GRCh38, 1-based): chr11:112,094,856, A>G. VCF-style: chr11-112094856-A-G. GRCh37 (hg19) VCF-style: chr11-111965580-A-G.
Other names: c.221A>G, p.Lys74Arg (NM_001276503.2); c.249A>G, p.Lys83= (NM_001276504.2); c.*64A>G (NM_001276506.2); short protein forms K74R.
Identifiers: ClinVar variation 824046 (VCV000824046.20), dbSNP rs780764151, ClinGen allele CA071307.
Genomic context (GRCh38, chr11:112,094,856, plus strand): 5'-TTTCTTTAGGGGCCTTGGACAAGTTGTTACTGACTATGTTCATGGGGATGCCTTGCAGAA[A>G]GCTGCCAAGGCAGGGCTTTTGGCACTTTCAGCTTTAACCTTTGCTGGGCTTTGCTATTTC-3'
Protein context (NP_002993.1, residues 112-132): TDYVHGDALQ[Lys122=]AAKAGLLALS

ClinVar aggregate classification (germline): Benign/Likely benign. Review status: criteria provided, multiple submitters, no conflicts (2 of 4 stars). 6 submissions from 6 submitters: Benign (1); Likely benign (5). Last evaluated 2025-07-06.

Conditions:
Hereditary pheochromocytoma and paraganglioma. Also called: Hereditary pheochromocytoma-paraganglioma; Hereditary paragangliomas and pheochromocytomas; Hereditary Paraganglioma-Pheochromocytoma Syndromes. Identifiers: Orphanet 29072, MedGen C4274332, MONDO:0017366.
Pheochromocytoma/paraganglioma syndrome 1. Also called: Paraganglioma - glomus jugulare; PARAGANGLIOMATA; SDHD-Related Hereditary Paraganglioma-Pheochromocytoma Syndrome; PARAGANGLIOMAS, FAMILIAL NONCHROMAFFIN, 1; PGL 1; Paragangliomas familial 1. Identifiers: Orphanet 29072, MedGen C3494181, MONDO:0008192, OMIM 168000.
Carney-Stratakis syndrome. Also called: PARAGANGLIOMA AND GASTROINTESTINAL STROMAL TUMOR. Identifiers: Orphanet 97286, MedGen C1847319, MONDO:0011740, OMIM 606864.
Cowden syndrome 3 (CWS3). Identifiers: Orphanet 201, MedGen CN166604, MONDO:0014045.
Pheochromocytoma. Also called: MAX-Related Hereditary Paraganglioma-Pheochromocytoma Syndrome. Identifiers: Orphanet 29072, MedGen C0031511, MONDO:0008233, OMIM 171300, HP:0002666.
Paragangliomas with sensorineural hearing loss. Identifiers: MedGen C1868633.
Hereditary cancer-predisposing syndrome. Also called: Hereditary Cancer Syndrome; Tumor predisposition; Neoplastic Syndromes, Hereditary; Hereditary neoplastic syndrome. Identifiers: Orphanet 140162, MedGen C0027672, MeSH D009386, MONDO:0015356.

Allele frequency attached by ClinVar (database versions not stated): gnomAD 0.00001; gnomAD exomes 0.00001 and 0.00002; ExAC 0.00003.
gnomAD v4.1: 22 of 1,611,898 alleles (0.0014%); highest among the groups gnomAD compares: Middle Eastern, 0.022%; no homozygotes.

Submissions (6):

Labcorp Genetics (formerly Invitae), Labcorp
Classification: Likely benign for Carney-Stratakis syndrome; Paragangliomas with sensorineural hearing loss; Pheochromocytoma; Cowden syndrome 3. Last evaluated: 2025-07-06. Review status: criteria provided, single submitter. Criteria: Invitae Variant Classification Sherloc (09022015). Collection method: clinical testing. Allele origin: germline.

Myriad Genetics, Inc.
Classification: Benign for Pheochromocytoma/paraganglioma syndrome 1. Last evaluated: 2025-03-18. Review status: criteria provided, single submitter. Criteria: Myriad Autosomal Dominant, Autosomal Recessive and X-Linked Classification Criteria (2023). Collection method: clinical testing. Allele origin: unknown.
Comment: This variant is considered benign. This variant is a silent/synonymous amino acid change and it is not expected to impact splicing.

All of Us Research Program, National Institutes of Health
Classification: Likely benign for Hereditary pheochromocytoma and paraganglioma. Last evaluated: 2023-12-13. Review status: criteria provided, single submitter. Criteria: ACMG Guidelines, 2015. Collection method: clinical testing. Allele origin: germline. Inheritance: Autosomal dominant inheritance. Observed: 1 variant allele, 1 heterozygote.
Comment: This study involves interpretation of variants in research participants for the purpose of population health screening. Participant phenotype was not available at the time of variant classification. Additional details can be found in publication PMID: 35346344, PMCID: PMC8962531

Color Diagnostics, LLC DBA Color Health
Classification: Likely benign for Hereditary pheochromocytoma and paraganglioma. Last evaluated: 2023-11-15. Review status: criteria provided, single submitter. Criteria: ACMG Guidelines, 2015. Collection method: clinical testing. Allele origin: germline.

GeneDx
Classification: Likely benign. Last evaluated: 2019-12-26. Review status: criteria provided, single submitter. Criteria: GeneDx Variant Classification Process June 2021. Collection method: clinical testing. Allele origin: germline. Affected: yes.

Ambry Genetics
Classification: Likely benign for Hereditary cancer-predisposing syndrome. Last evaluated: 2019-10-31. Review status: criteria provided, single submitter. Criteria: Ambry Variant Classification Scheme 2023. Collection method: clinical testing. Allele origin: germline.